The following is an entry in ClinVar:

NC_000023.11:g.(?_123891218)_(123892793_?)del

Gene: XIAP (X-linked inhibitor of apoptosis; plus strand). Cytogenetic location: Xq25.
Variant type: Deletion.
Identifiers: ClinVar variation 583839 (VCV000583839.8).

ClinVar aggregate classification (germline): Pathogenic (1 of 4 stars; one submission).

Conditions:
X-linked lymphoproliferative disease due to XIAP deficiency. Also called: XIAP DEFICIENCY; XIAP-Related Lymphoproliferative Disease, X-Linked. Identifiers: Orphanet 2442, Orphanet 538934, MedGen C1845076, MONDO:0010385, OMIM 300635.

Submission:

Labcorp Genetics (formerly Invitae), Labcorp
Classification: Pathogenic for X-linked lymphoproliferative disease due to XIAP deficiency. Last evaluated: 2022-06-03. Review status: criteria provided, single submitter. Criteria: Invitae Variant Classification Sherloc (09022015). Collection method: clinical testing. Allele origin: germline.
Comment: For these reasons, this variant has been classified as Pathogenic. This variant has not been reported in the literature in individuals affected with XIAP-related conditions. This variant is a gross deletion of the genomic region encompassing exon(s) 4-5 of the XIAP gene. This deletion is out-of-frame, and is expected to create a premature termination codon and result in an absent or disrupted protein product. Loss-of-function variants in XIAP are known to be pathogenic (PMID: 17080092, 21119115, 25666262).

Literature cited by the submitters: PubMed 17080092; PubMed 21119115; PubMed 25666262.